The following is an entry in ClinVar:

NM_024675.4(PALB2):c.1A>C (p.Met1Leu)

Gene: PALB2 (partner and localizer of BRCA2; minus strand). Cytogenetic location: 16p12.2.
Variant type: single nucleotide variant.
Coding change: c.1A>C on transcript NM_024675.4 (MANE Select); coding-DNA position 1, A replaced by C.
Protein change: p.Met1Leu; changes the start codon (methionine 1).
Molecular consequence: missense variant, initiator codon variant.
Genome position (GRCh38, 1-based): chr16:23,641,157, T>G on the plus strand (A>C on the coding strand, the complement: PALB2 is on the minus strand). VCF-style: chr16-23641157-T-G. GRCh37 (hg19) VCF-style: chr16-23652478-T-G.
Other names: c.1A>C, p.Met1Leu (NM_001407296.1, NM_001407297.1, NM_001407298.1 and 5 more transcripts); c.-1743A>C (NM_001407304.1, NM_001407310.1); c.-1019A>C (NM_001407305.1, NM_001407307.1, NM_001407309.1 and 1 more transcripts); c.-868A>C (NM_001407306.1, NM_001407308.1); c.-152A>C (NM_001407312.1, NM_001407313.1); short protein forms M1L.
Identifiers: ClinVar variation 1784166 (VCV001784166.6), dbSNP rs879254144, ClinGen allele CA395141291.

ClinVar aggregate classification (germline): Likely pathogenic (1 of 4 stars; one submission).

Conditions:
Hereditary cancer-predisposing syndrome. Also called: Tumor predisposition; Hereditary Cancer Syndrome; Hereditary neoplastic syndrome; Neoplastic Syndromes, Hereditary. Identifiers: Orphanet 140162, MedGen C0027672, MeSH D009386, MONDO:0015356.

Submission:

Ambry Genetics
Classification: Likely pathogenic for Hereditary cancer-predisposing syndrome. Last evaluated: 2025-12-15. Review status: criteria provided, single submitter. Criteria: Ambry Variant Classification Scheme 2023. Collection method: clinical testing. Allele origin: germline.
Comment: The p.M1? variant (also known as c.1A>C) is located in coding exon 1 of the PALB2 gene and results from a A to C substitution at nucleotide position 1. This alters the methionine residue at the initiation codon (ATG). This amino acid position is highly conserved in available vertebrate species. Sequence variations that modify the initiation codon are expected to result in either loss of translation initiation, N-terminal truncation, or cause a shift in the mRNA reading frame. Based on the majority of available evidence to date, this variant is likely to be pathogenic.